The following is an entry in ClinVar:

ClinVar aggregate classification (germline): Uncertain significance (1 of 4 stars; one submission).

Conditions:
Immunodeficiency. Identifiers: MedGen C0021051, MONDO:0021094, HP:0002721.

gnomAD v4.1: 3 of 1,614,226 alleles (0.00019%); highest among the groups gnomAD compares: Non-Finnish European, 0.00017%; no homozygotes.

Submission:

Labcorp Genetics (formerly Invitae), Labcorp
Classification: Uncertain significance for Immunodeficiency. Last evaluated: 2026-01-14. Review status: criteria provided, single submitter. Criteria: Invitae Variant Classification Sherloc (09022015). Collection method: clinical testing. Allele origin: germline.
Comment: This sequence change replaces glutamine, which is neutral and polar, with arginine, which is basic and polar, at codon 1102 of the NFAT5 protein (p.Gln1102Arg). This variant is not present in population databases (gnomAD no frequency). This variant has not been reported in the literature in individuals affected with NFAT5-related conditions. ClinVar contains an entry for this variant (Variation ID: 2783774). An algorithm developed to predict the effect of missense changes on protein structure and function (PolyPhen-2) suggests that this variant is likely to be tolerated. In summary, the available evidence is currently insufficient to determine the role of this variant in disease. Therefore, it has been classified as a Variant of Uncertain Significance.

NM_138713.4(NFAT5):c.3587A>G (p.Gln1196Arg)

Gene: NFAT5 (nuclear factor of activated T cells 5; plus strand). Cytogenetic location: 16q22.1.
Variant type: single nucleotide variant.
Coding change: c.3587A>G on transcript NM_138713.4 (MANE Select); coding-DNA position 3587, A replaced by G.
Protein change: p.Gln1196Arg; replaces glutamine 1196 with arginine.
Molecular consequence: missense variant.
Genome position (GRCh38, 1-based): chr16:69,693,412, A>G. VCF-style: chr16-69693412-A-G. GRCh37 (hg19) VCF-style: chr16-69727315-A-G.
Other names: c.3584A>G, p.Gln1195Arg (NM_001113178.3); c.2912A>G, p.Gln971Arg (NM_001367709.1); c.3533A>G, p.Gln1178Arg (NM_006599.4); c.3305A>G, p.Gln1102Arg (NM_138714.4, NM_173214.3, NM_173215.3); short protein forms Q1178R, Q1196R, Q971R, Q1102R, Q1195R.
Identifiers: ClinVar variation 2783774 (VCV002783774.3), dbSNP rs1567615808, ClinGen allele CA396513336.